The following is an entry in ClinVar:

NM_003072.5(SMARCA4):c.1094A>G (p.Glu365Gly)

Gene: SMARCA4 (SWI/SNF related BAF chromatin remodeling complex subunit ATPase 4; plus strand). Cytogenetic location: 19p13.2.
Variant type: single nucleotide variant.
Coding change: c.1094A>G on transcript NM_003072.5 (MANE Select); coding-DNA position 1094, A replaced by G.
Protein change: p.Glu365Gly; replaces glutamic acid 365 with glycine.
Molecular consequence: missense variant. On other transcripts: non-coding transcript variant (1).
Genome position (GRCh38, 1-based): chr19:10,987,900, A>G. VCF-style: chr19-10987900-A-G. GRCh37 (hg19) VCF-style: chr19-11098576-A-G.
Other names: c.1094A>G, p.Glu365Gly (NM_001128844.3, NM_001128845.2, NM_001128846.2 and 5 more transcripts); c.1094A>G (NM_001128849.1); short protein forms E365G.
Identifiers: ClinVar variation 1515540 (VCV001515540.10), dbSNP rs2145822167, ClinGen allele CA404058876.

ClinVar aggregate classification (germline): Uncertain significance. Review status: criteria provided, multiple submitters, no conflicts (2 of 4 stars). 3 submissions from 3 submitters: Uncertain significance (3). Last evaluated 2025-10-10.

Conditions:
Hereditary cancer-predisposing syndrome. Also called: Neoplastic Syndromes, Hereditary; Tumor predisposition; Hereditary neoplastic syndrome; Hereditary Cancer Syndrome. Identifiers: Orphanet 140162, MedGen C0027672, MeSH D009386, MONDO:0015356.
Rhabdoid tumor predisposition syndrome 2 (RTPS2). Identifiers: Orphanet 231108, Orphanet 69077, MedGen C2750074, MONDO:0013224, OMIM 613325.
SMARCA4-related disorder. Also called: SMARCA4-related condition.

Allele frequency attached by ClinVar (database versions not stated): gnomAD exomes below 0.00001.
gnomAD v4.1: 3 of 1,612,976 alleles (0.00019%); highest among the groups gnomAD compares: Non-Finnish European, 0.00025%; no homozygotes.

Submissions (3):

PreventionGenetics, part of Exact Sciences
Classification: Uncertain significance for SMARCA4-related condition. Last evaluated: 2025-10-10. Review status: criteria provided, single submitter. Criteria: ACMG Guidelines, 2015. Collection method: clinical testing. Allele origin: germline.
Comment: The SMARCA4 c.1094A>G variant is predicted to result in the amino acid substitution p.Glu365Gly. To our knowledge, this variant has not been reported in the literature or in a large population database (gnomAD), indicating this variant is rare. At this time, the clinical significance of this variant is uncertain due to the absence of conclusive functional and genetic evidence.

Ambry Genetics
Classification: Uncertain significance for Hereditary cancer-predisposing syndrome. Last evaluated: 2025-06-07. Review status: criteria provided, single submitter. Criteria: Ambry Variant Classification Scheme 2023. Collection method: clinical testing. Allele origin: germline.
Comment: The p.E365G variant (also known as c.1094A>G), located in coding exon 5 of the SMARCA4 gene, results from an A to G substitution at nucleotide position 1094. The glutamic acid at codon 365 is replaced by glycine, an amino acid with similar properties. This amino acid position is conserved. In addition, the in silico prediction for this alteration is inconclusive. Based on the available evidence, the clinical significance of this variant remains unclear.

Labcorp Genetics (formerly Invitae), Labcorp
Classification: Uncertain significance for Rhabdoid tumor predisposition syndrome 2. Last evaluated: 2021-03-10. Review status: criteria provided, single submitter. Criteria: Invitae Variant Classification Sherloc (09022015). Collection method: clinical testing. Allele origin: germline.
Comment: In summary, the available evidence is currently insufficient to determine the role of this variant in disease. Therefore, it has been classified as a Variant of Uncertain Significance. Algorithms developed to predict the effect of missense changes on protein structure and function are either unavailable or do not agree on the potential impact of this missense change (SIFT: "Deleterious"; PolyPhen-2: "Benign"; Align-GVGD: "Class C65"). This variant has not been reported in the literature in individuals with SMARCA4-related conditions. This variant is not present in population databases (ExAC no frequency). This sequence change replaces glutamic acid with glycine at codon 365 of the SMARCA4 protein (p.Glu365Gly). The glutamic acid residue is highly conserved and there is a moderate physicochemical difference between glutamic acid and glycine.